The following is an entry in ClinVar:

NM_078480.3(PUF60):c.1572_1579dup (p.Lys527fs)

Gene: PUF60 (poly(U) binding splicing factor 60; minus strand). Cytogenetic location: 8q24.3.
Variant type: Duplication.
Coding change: c.1572_1579dup on transcript NM_078480.3 (MANE Select); coding-DNA positions 1572 to 1579, 8 bases duplicated (GACTCATA; older notation c.1572_1579dupGACTCATA).
Protein change: p.Lys527fs; shifts the reading frame from lysine 527.
Molecular consequence: frameshift variant.
Genome position (GRCh38, 1-based): chr8:143,816,621-143,816,628, TATGAGTC duplicated on the plus strand (GACTCATA on the coding strand, the reverse complement: PUF60 is on the minus strand); duplicating any 8 consecutive bases within chr8:143,816,621-143,816,629 gives the same sequence; the c. name uses the placement nearest the transcript's 3' end. VCF-style (leftmost placement, unchanged base first): chr8-143816620-T-TTATGAGTC. GRCh37 (hg19) VCF-style: chr8-144898790-T-TTATGAGTC.
Other names: c.1443_1450dup, p.Lys484fs (NM_001136033.3); c.1518_1525dup, p.Lys509fs (NM_001271096.2); c.1434_1441dup, p.Lys481fs (NM_001271097.2); c.1569_1576dup, p.Lys526fs (NM_001271098.2); c.1485_1492dup, p.Lys498fs (NM_001271099.2); c.1392_1399dup, p.Lys467fs (NM_001271100.2); c.1683_1690dup, p.Lys564fs (NM_001362895.2, NM_001362896.2); c.1632_1639dup, p.Lys547fs (NM_001362897.2); and 1 more; short protein forms K467fs, K481fs, K484fs, K498fs, K509fs, K510fs, K526fs, K527fs.
Identifiers: ClinVar variation 3346606 (VCV003346606.1).

ClinVar aggregate classification (germline): Likely pathogenic (0 of 4 stars; one submission).

Conditions:
PUF60-related disorder. Also called: PUF60-related condition.

Submission:

PreventionGenetics, part of Exact Sciences
Classification: Likely pathogenic for PUF60-related condition. Last evaluated: 2024-06-06. Review status: no assertion criteria provided. Collection method: clinical testing. Allele origin: germline.
Comment: The PUF60 c.1572_1579dup8 variant is predicted to result in a frameshift and premature protein termination (p.Lys527Argfs*76). To our knowledge, this variant has not been reported in the literature or in a large population database, indicating this variant is rare. This variant is located in the terminal exon and multiple de novo frameshift variants in the terminal exon have been documented to be disease-causing (see for example, c.1577_1587del in Low et al. 2017. PubMed ID: 28327570; c.1673_1674del in Yamada et al. 2020. PubMed ID: 32851780). Frameshift variants in PUF60 are expected to be pathogenic. This variant is interpreted as likely pathogenic.